The following is an entry in ClinVar:

NM_014850.4(SRGAP3):c.3070G>A (p.Ala1024Thr)

Gene: SRGAP3 (SLIT-ROBO Rho GTPase activating protein 3; minus strand). Cytogenetic location: 3p25.3.
Variant type: single nucleotide variant.
Coding change: c.3070G>A on transcript NM_014850.4 (MANE Select); coding-DNA position 3070, G replaced by A.
Protein change: p.Ala1024Thr; replaces alanine 1024 with threonine.
Molecular consequence: missense variant.
Genome position (GRCh38, 1-based): chr3:8,985,749, C>T on the plus strand (G>A on the coding strand, the complement: SRGAP3 is on the minus strand). VCF-style: chr3-8985749-C-T. GRCh37 (hg19) VCF-style: chr3-9027433-C-T.
Other names: c.2998G>A, p.Ala1000Thr (NM_001033117.3); short protein forms A1000T, A1024T.
Identifiers: ClinVar variation 2629106 (VCV002629106.1), dbSNP rs1941661638, ClinGen allele CA351669637.

ClinVar aggregate classification (germline): Uncertain significance (1 of 4 stars; one submission).

Conditions:
SRGAP3-related disorder. Also called: SRGAP3-related condition.

gnomAD v4.1: 1 of 1,599,070 alleles (0.000063%); highest among the groups gnomAD compares: Non-Finnish European, 0.000085%; no homozygotes.

Submission:

PreventionGenetics, part of Exact Sciences
Classification: Uncertain significance for SRGAP3-related condition. Last evaluated: 2023-10-02. Review status: criteria provided, single submitter. Criteria: ACMG Guidelines, 2015. Collection method: clinical testing. Allele origin: germline.
Comment: The SRGAP3 c.3070G>A variant is predicted to result in the amino acid substitution p.Ala1024Thr. To our knowledge, this variant has not been reported in the literature or in a large population database, indicating this variant is rare. At this time, the clinical significance of this variant is uncertain due to the absence of conclusive functional and genetic evidence.